The following is an entry in ClinVar:

NM_138387.4(G6PC3):c.326-3_343del

Gene: G6PC3 (glucose-6-phosphatase catalytic subunit 3; plus strand). Cytogenetic location: 17q21.31.
Variant type: Deletion.
Coding change: c.326-3_343del on transcript NM_138387.4 (MANE Select); 3 bases into the intron before coding-DNA position 326 through coding-DNA position 343, 21 bases deleted (CAGGCAGCCCTTCTGGACACT).
Molecular consequence: splice acceptor variant.
Genome position (GRCh38, 1-based): chr17:44,074,677-44,074,697, CAGGCAGCCCTTCTGGACACT deleted. VCF-style (leftmost placement, unchanged base first): chr17-44074676-GCAGGCAGCCCTTCTGGACACT-G. GRCh37 (hg19) VCF-style: chr17-42152044-GCAGGCAGCCCTTCTGGACACT-G.
Other names: c.-20-3_-3del (NM_001384168.1, NM_001384165.1, NM_001384166.1 and 1 more transcripts); c.326-3_343del (NM_001319945.2).
Identifiers: ClinVar variation 3644348 (VCV003644348.2).

ClinVar aggregate classification (germline): Likely pathogenic (1 of 4 stars; one submission).

Conditions:
Autosomal recessive severe congenital neutropenia due to G6PC3 deficiency. Also called: NEUTROPENIA, SEVERE CONGENITAL, 4, AUTOSOMAL RECESSIVE; G6PC3 Deficiency. Identifiers: Orphanet 331176, MedGen C2751630, MONDO:0012930, OMIM 612541.

Submission:

Labcorp Genetics (formerly Invitae), Labcorp
Classification: Likely pathogenic for Autosomal recessive severe congenital neutropenia due to G6PC3 deficiency. Last evaluated: 2024-03-03. Review status: criteria provided, single submitter. Criteria: Invitae Variant Classification Sherloc (09022015). Collection method: clinical testing. Allele origin: germline.
Comment: This variant results in the deletion of part of exon 3 (c.326-3_343del) of the G6PC3 gene. It is expected to disrupt RNA splicing. Variants that disrupt the donor or acceptor splice site typically lead to a loss of protein function (PMID: 16199547), and loss-of-function variants in G6PC3 are known to be pathogenic (PMID: 19118303, 25491320). This variant is not present in population databases (gnomAD no frequency). This variant has not been reported in the literature in individuals affected with G6PC3-related conditions. In summary, the currently available evidence indicates that the variant is pathogenic, but additional data are needed to prove that conclusively. Therefore, this variant has been classified as Likely Pathogenic.

Literature cited by the submitters: PubMed 16199547; PubMed 19118303; PubMed 25491320.